The following is an entry in ClinVar:

NM_147686.4(TRAF3IP2):c.560_561delinsAT (p.Arg187His)

Genes: TRAF3IP2 (TRAF3 interacting protein 2; minus strand), TRAF3IP2-AS1 (TRAF3IP2 antisense RNA 1; plus strand), LOC114803478 (TRAF3IP2 eExon liver enhancer; plus strand). Cytogenetic location: 6q21.
Variant type: Indel.
Coding change: c.560_561delinsAT on transcript NM_147686.4 (MANE Select); coding-DNA positions 560 to 561, GA replaced by AT.
Protein change: p.Arg187His; replaces arginine 187 with histidine.
Molecular consequence: missense variant.
Genome position (GRCh38, 1-based): chr6:111,591,526-111,591,527, TC replaced by AT on the plus strand (GA replaced by AT on the coding strand, the reverse complement: TRAF3IP2 is on the minus strand). VCF-style: chr6-111591526-TC-AT. GRCh37 (hg19) VCF-style: chr6-111912729-TC-AT.
Other names: c.560_561delinsAT, p.Arg187His (NM_001164281.3); c.587_588delinsAT, p.Arg196His (NM_147200.3); short protein forms R187H, R196H.
Identifiers: ClinVar variation 1490539 (VCV001490539.5), dbSNP rs2128382170, ClinGen allele CA2573140398.
Genomic context (GRCh38, chr6:111,591,526, plus strand): 5'-CAGGACATCCTGGGGCTGGGAATCATATCCCGTGTCTATGGTTGGCAGATCCAGGCCTGC[TC>AT]GGTTCCTGTGAGGCTGGGGCCGTTGCACCATCTCCTGGCTACCGCCCAAGGAGTCTGCTG-3'
Protein context (NP_679211.2, residues 177-197): MVQRPQPHRN[Arg187His]AGLDLPTIDT

ClinVar aggregate classification (germline): Uncertain significance (1 of 4 stars; one submission).

Conditions:
Candidiasis, familial, 8 (CANDF8). Identifiers: Orphanet 1334, MedGen C3714992, MONDO:0014230, OMIM 615527.

Submission:

Labcorp Genetics (formerly Invitae), Labcorp
Classification: Uncertain significance for Candidiasis, familial, 8. Last evaluated: 2022-02-24. Review status: criteria provided, single submitter. Criteria: Invitae Variant Classification Sherloc (09022015). Collection method: clinical testing. Allele origin: germline.
Comment: This sequence change replaces arginine, which is basic and polar, with histidine, which is basic and polar, at codon 187 of the TRAF3IP2 protein (p.Arg187His). This variant is present in population databases (no rsID available, gnomAD 1.1%). This variant has not been reported in the literature in individuals affected with TRAF3IP2-related conditions. Algorithms developed to predict the effect of missense changes on protein structure and function are either unavailable or do not agree on the potential impact of this missense change (SIFT: "Not Available"; PolyPhen-2: "Benign"; Align-GVGD: "Not Available"). In summary, the available evidence is currently insufficient to determine the role of this variant in disease. Therefore, it has been classified as a Variant of Uncertain Significance.